The following is an entry in ClinVar:

ClinVar aggregate classification (germline): Uncertain significance (1 of 4 stars; one submission).

Submission:

GeneDx
Classification: Uncertain significance. Last evaluated: 2024-03-06. Review status: criteria provided, single submitter. Criteria: GeneDx Variant Classification Process June 2021. Collection method: clinical testing. Allele origin: germline. Affected: yes.
Comment: Not observed at significant frequency in large population cohorts (gnomAD); In-frame deletion of 1 amino acid in a non-repeat region; In silico analysis supports a deleterious effect on protein structure/function; Has not been previously published as pathogenic or benign to our knowledge

NM_016219.5(MAN1B1):c.1493TGC[1] (p.Leu499del)

Gene: MAN1B1 (mannosidase alpha class 1B member 1; plus strand). Cytogenetic location: 9q34.3.
Variant type: Microsatellite.
Coding change: c.1493TGC[1] on transcript NM_016219.5 (MANE Select); one copy of the 3-base unit TGC starting at c.1493; the reference has two copies in a row; one copy, 3 bases deleted.
Protein change: p.Leu499del; deletes leucine 499.
Molecular consequence: non-coding transcript variant (on NR_045720.2).
Genome position (GRCh38, 1-based): chr9:137,106,739-137,106,741, TGC deleted; deleting any 3 consecutive bases within chr9:137,106,735-137,106,741 gives the same sequence; the position shown is the placement nearest the transcript's 3' end. VCF-style (leftmost placement, unchanged base first): chr9-137106734-CCTG-C. GRCh37 (hg19) VCF-style: chr9-140001186-CCTG-C.
Other names: short protein forms L499del.
Identifiers: ClinVar variation 3361024 (VCV003361024.1).